The following is an entry in ClinVar:

ClinVar aggregate classification (germline): Pathogenic. Review status: reviewed by expert panel (3 of 4 stars). 2 submissions from 2 submitters: Pathogenic (1). 1 of the submissions does not count toward it. Last evaluated 2016-09-08.

Conditions:
Breast-ovarian cancer, familial, susceptibility to, 2 (BROVCA2). Also called: BRCA2 Hereditary Breast and Ovarian Cancer. Identifiers: Orphanet 145, MedGen C2675520, MONDO:0012933, OMIM 612555. Disease mechanism: loss of function.

Submissions (2):

Evidence-based Network for the Interpretation of Germline Mutant Alleles (ENIGMA)
Classification: Pathogenic for Breast-ovarian cancer, familial, susceptibility to, 2. Last evaluated: 2016-09-08. Review status: reviewed by expert panel. Criteria: ENIGMA BRCA1/2 Classification Criteria (2015). Collection method: curation. Allele origin: germline.
Comment: Variant allele predicted to encode a truncated non-functional protein.

Breast Cancer Information Core (BIC) (BRCA2)
Classification: Pathogenic for Breast-ovarian cancer, familial 2. Review status: no assertion criteria provided. Collection method: clinical testing. Allele origin: germline. Affected: yes. Observed: 2 variant alleles. Not counted in ClinVar's aggregate classification.

NM_000059.4(BRCA2):c.6603_6604del (p.Asp2202fs)

Gene: BRCA2 (BRCA2 DNA repair associated; plus strand). Cytogenetic location: 13q13.1.
Variant type: Deletion.
Coding change: c.6603_6604del on transcript NM_000059.4 (MANE Select); coding-DNA positions 6603 to 6604, 2 bases deleted (TG; older notation c.6603_6604delTG).
Protein change: p.Asp2202fs; shifts the reading frame from aspartic acid 2202.
Molecular consequence: frameshift variant.
Genome position (GRCh38, 1-based): chr13:32,340,958-32,340,959, TG deleted. VCF-style (leftmost placement, unchanged base first): chr13-32340957-CTG-C. GRCh37 (hg19) VCF-style: chr13-32915094-CTG-C.
Other names: 6831delTG; c.6603_6604delTG (NM_000059.3); short protein forms D2202fs.
Identifiers: ClinVar variation 52133 (VCV000052133.4), dbSNP rs80359608, ClinGen allele CA024205.